The following is an entry in ClinVar:

NM_198252.3(GSN):c.1300C>T (p.Arg434Cys)

Gene: GSN (gelsolin; plus strand). Cytogenetic location: 9q33.2.
Variant type: single nucleotide variant.
Coding change: c.1300C>T on transcript NM_198252.3 (MANE Select); coding-DNA position 1300, C replaced by T.
Protein change: p.Arg434Cys; replaces arginine 434 with cysteine.
Molecular consequence: missense variant.
Genome position (GRCh38, 1-based): chr9:121,321,376, C>T. VCF-style: chr9-121321376-C-T. GRCh37 (hg19) VCF-style: chr9-124083654-C-T.
Other names: c.1453C>T, p.Arg485Cys (NM_000177.5); c.1300C>T, p.Arg434Cys (NM_001127662.2, NM_001127664.2, NM_001127665.2 and 10 more transcripts); c.1408C>T, p.Arg470Cys (NM_001127663.2); c.1333C>T, p.Arg445Cys (NM_001127666.2, NM_001127667.2, NM_001353063.2 and 13 more transcripts); c.1351C>T, p.Arg451Cys (NM_001258029.2); c.1324C>T, p.Arg442Cys (NM_001258030.2); c.1372C>T, p.Arg458Cys (NM_001353076.2); c.646C>T, p.Arg216Cys (NM_001353078.2); and 1 more; short protein forms R434C, R216C, R442C, R451C, R458C, R485C, R445C, R470C.
Identifiers: ClinVar variation 1401099 (VCV001401099.10), dbSNP rs368923816, ClinGen allele CA199412816.
Genomic context (GRCh38, chr9:121,321,376, plus strand): 5'-TATGGACAGTTCTATGGAGGCGACAGCTACATCATTCTGTACAACTACCGCCATGGTGGC[C>T]GCCAGGGGCAGATAATCTATAACTGGTGAGGTTCTGGGGCCATTGGTGTGTGTCGTGGGG-3'
Protein context (NP_937895.1, residues 424-444): IILYNYRHGG[Arg434Cys]QGQIIYNWQG

ClinVar aggregate classification (germline): Uncertain significance. Review status: criteria provided, multiple submitters, no conflicts (2 of 4 stars). 2 submissions from 2 submitters: Uncertain significance (2). Last evaluated 2025-06-03.

Conditions:
Inborn genetic diseases. Identifiers: MedGen C0950123, MeSH D030342.

Allele frequency attached by ClinVar (database versions not stated): gnomAD exomes 0.00001 and 0.00002; TOPMed 0.00002; ESP Exome Variant Server 0.00008.
gnomAD v4.1: 37 of 1,613,904 alleles (0.0023%); highest among the groups gnomAD compares: African/African-American, 0.004%; no homozygotes.

Submissions (2):

Labcorp Genetics (formerly Invitae), Labcorp
Classification: Uncertain significance. Last evaluated: 2025-06-03. Review status: criteria provided, single submitter. Criteria: Invitae Variant Classification Sherloc (09022015). Collection method: clinical testing. Allele origin: germline.
Comment: This sequence change replaces arginine, which is basic and polar, with cysteine, which is neutral and slightly polar, at codon 485 of the GSN protein (p.Arg485Cys). This variant is present in population databases (rs368923816, gnomAD 0.003%). This variant has not been reported in the literature in individuals affected with GSN-related conditions. ClinVar contains an entry for this variant (Variation ID: 1401099). Invitae Evidence Modeling of protein sequence and biophysical properties (such as structural, functional, and spatial information, amino acid conservation, physicochemical variation, residue mobility, and thermodynamic stability) has been performed for this missense variant. However, the output from this modeling did not meet the statistical confidence thresholds required to predict the impact of this variant on GSN protein function. In summary, the available evidence is currently insufficient to determine the role of this variant in disease. Therefore, it has been classified as a Variant of Uncertain Significance.

Ambry Genetics
Classification: Uncertain significance for Inborn genetic diseases. Last evaluated: 2023-04-18. Review status: criteria provided, single submitter. Criteria: Ambry Variant Classification Scheme 2023. Collection method: clinical testing. Allele origin: germline.